The following is an entry in ClinVar:

NM_018151.5(RIF1):c.7205-4_7205-3del

Gene: RIF1 (replication timing regulatory factor 1; plus strand). Cytogenetic location: 2q23.3.
Variant type: Deletion.
Coding change: c.7205-4_7205-3del on transcript NM_018151.5 (MANE Select); 4 bases into the intron before coding-DNA position 7205 through 3 bases into the intron before coding-DNA position 7205, 2 bases deleted (TT; older notation c.7205-4_7205-3delTT).
Molecular consequence: intron variant.
Genome position (GRCh38, 1-based): chr2:151,474,853-151,474,854, TT deleted; deleting any 2 consecutive bases within chr2:151,474,851-151,474,854 gives the same sequence; the c. name uses the placement nearest the transcript's 3' end. VCF-style (leftmost placement, unchanged base first): chr2-151474850-CTT-C. GRCh37 (hg19) VCF-style: chr2-152331364-CTT-C.
Other names: NC_000002.11:g.152331367_152331368del; c.7127-4_7127-3del (NM_001177665.2, NM_001177663.2, NM_001177664.2).
Identifiers: ClinVar variation 2651424 (VCV002651424.24), dbSNP rs540979616, ClinGen allele CA1905619.
Genomic context (GRCh38, chr2:151,474,850, plus strand): 5'-AGATCATGTAAAAAATTTAATTTTTGTCTGGTATAGATTTAATTGTGGTTTTTTTTTTCT[CTT>C]TTAGATATAATTGATCCTGTTGCTTTAGAAATTCCATTATCCAAAAACCTTCTGGCACAG-3'

ClinVar aggregate classification (germline): Likely benign (1 of 4 stars; one submission).

Submissions (3):

CeGaT Center for Human Genetics Tuebingen
Classification: Likely benign. Last evaluated: 2022-11-01. Review status: criteria provided, single submitter. Criteria: CeGaT Center For Human Genetics Tuebingen Variant Classification Criteria Version 2. Collection method: clinical testing. Allele origin: germline. Affected: yes. Observed: 2 variant alleles.
Comment: RIF1: BP4, BS2

Dr. Peter K. Rogan Lab, Western University
No classification provided (evidence only). Condition: Nonpapillary renal cell carcinoma. Review status: no classification provided. Collection method: in vitro. Allele origin: not applicable. Functional consequence: retained intron. Not counted in ClinVar's aggregate classification.

Dr. Peter K. Rogan Lab, Western University
No classification provided (evidence only). Condition: Lymphoma. Review status: no classification provided. Collection method: in vitro. Allele origin: not applicable. Functional consequence: retained intron. Not counted in ClinVar's aggregate classification.